The following is an entry in ClinVar:

NM_004006.3(DMD):c.1979dup (p.Ser661fs)

Gene: DMD (dystrophin; minus strand). Cytogenetic location: Xp21.1.
Variant type: Duplication.
Coding change: c.1979dup on transcript NM_004006.3 (MANE Select); coding-DNA position 1979, one base duplicated (A; older notation c.1979dupA).
Protein change: p.Ser661fs; shifts the reading frame from serine 661.
Molecular consequence: frameshift variant.
Genome position (GRCh38, 1-based): chrX:32,565,715, T duplicated on the plus strand (A on the coding strand, the reverse complement: DMD is on the minus strand); the first of 4 consecutive T bases (chrX:32,565,715-32,565,718); duplicating any one gives the same sequence. VCF-style (leftmost placement, unchanged base first): chrX-32565714-C-CT. GRCh37 (hg19) VCF-style: chrX-32583831-C-CT.
Other names: c.1955dup, p.Ser653fs (NM_000109.4); c.1967dup, p.Ser657fs (NM_004009.3); c.1610dup, p.Ser538fs (NM_004010.3); short protein forms S653fs, S661fs, S657fs, S538fs.
Identifiers: ClinVar variation 2120520 (VCV002120520.4), dbSNP rs1569213903, ClinGen allele CA2580100702.

ClinVar aggregate classification (germline): Pathogenic (1 of 4 stars; one submission).

Conditions:
Duchenne muscular dystrophy (DMD). Also called: MUSCULAR DYSTROPHY, PSEUDOHYPERTROPHIC PROGRESSIVE, DUCHENNE TYPE; Duchenne Muscular Dystrophy (DMD). Identifiers: Orphanet 98896, MedGen C0013264, MONDO:0010679, OMIM 310200.

Submission:

Labcorp Genetics (formerly Invitae), Labcorp
Classification: Pathogenic for Duchenne muscular dystrophy. Last evaluated: 2025-09-27. Review status: criteria provided, single submitter. Criteria: Invitae Variant Classification Sherloc (09022015). Collection method: clinical testing. Allele origin: germline.
Comment: This sequence change creates a premature translational stop signal (p.Ser661Glufs*59) in the DMD gene. It is expected to result in an absent or disrupted protein product. Loss-of-function variants in DMD are known to be pathogenic (PMID: 16770791, 25007885). This variant is not present in population databases (gnomAD no frequency). This variant has not been reported in the literature in individuals affected with DMD-related conditions. ClinVar contains an entry for this variant (Variation ID: 2120520). For these reasons, this variant has been classified as Pathogenic.

Literature cited by the submitters: PubMed 16770791; PubMed 25007885.